The following is an entry in ClinVar:

ClinVar aggregate classification (germline): Pathogenic (1 of 4 stars; one submission).

Submission:

Labcorp Genetics (formerly Invitae), Labcorp
Classification: Pathogenic. Last evaluated: 2023-03-07. Review status: criteria provided, single submitter. Criteria: Invitae Variant Classification Sherloc (09022015). Collection method: clinical testing. Allele origin: germline.
Comment: This sequence change creates a premature translational stop signal (p.Asp45Serfs*72) in the TYMP gene. It is expected to result in an absent or disrupted protein product. Loss-of-function variants in TYMP are known to be pathogenic (PMID: 9924029, 15781193). For these reasons, this variant has been classified as Pathogenic. ClinVar contains an entry for this variant (Variation ID: 2087234). This variant has not been reported in the literature in individuals affected with TYMP-related conditions. This variant is not present in population databases (gnomAD no frequency).

Literature cited by the submitters: PubMed 9924029; PubMed 15781193.

NM_001953.5(TYMP):c.133_152del (p.Asp45fs)

Gene: TYMP (thymidine phosphorylase; minus strand). Cytogenetic location: 22q13.33.
Variant type: Deletion.
Coding change: c.133_152del on transcript NM_001953.5 (MANE Select); coding-DNA positions 133 to 152, 20 bases deleted (GACGGAGGCCGCCTGAGCGA).
Protein change: p.Asp45fs; shifts the reading frame from aspartic acid 45.
Molecular consequence: frameshift variant.
Genome position (GRCh38, 1-based): chr22:50,529,558-50,529,577, TCGCTCAGGCGGCCTCCGTC deleted on the plus strand (GACGGAGGCCGCCTGAGCGA on the coding strand, the reverse complement: TYMP is on the minus strand); deleting any 20 consecutive bases within chr22:50,529,558-50,529,582 gives the same sequence; the c. name uses the placement nearest the transcript's 3' end. VCF-style (leftmost placement, unchanged base first): chr22-50529557-TTCGCTCAGGCGGCCTCCGTC-T. GRCh37 (hg19) VCF-style: chr22-50967986-TTCGCTCAGGCGGCCTCCGTC-T.
Other names: c.133_152del, p.Asp45fs (NM_001113755.3, NM_001113756.3, NM_001257988.1 and 1 more transcripts); short protein forms D45fs.
Identifiers: ClinVar variation 2087234 (VCV002087234.4), dbSNP rs2522550898, ClinGen allele CA2580100041.